The following is an entry in ClinVar:

ClinVar aggregate classification (germline): Benign. Review status: criteria provided, multiple submitters, no conflicts (2 of 4 stars). 8 submissions from 8 submitters: Benign (6). 2 of the submissions do not count toward it. Last evaluated 2026-02-04.

Conditions:
Ehlers-Danlos syndrome, kyphoscoliotic type 1 (EDSKSCL1). Also called: Ehlers-Danlos syndrome, hydroxylysine-deficient; EHLERS-DANLOS SYNDROME, OCULAR-SCOLIOTIC TYPE; PLOD1-Related Kyphoscoliotic Ehlers-Danlos Syndrome; EHLERS-DANLOS SYNDROME, TYPE VIA. Identifiers: Orphanet 1900, MedGen C0268342, MONDO:0016002, OMIM 225400. Disease mechanism: loss of function.

Allele frequency attached by ClinVar (database versions not stated): TOPMed 0.04089; gnomAD 0.04239 and 0.04697; 1000 Genomes Project 30x 0.07058; ExAC 0.07076; 1000 Genomes Project 0.07688; ESP Exome Variant Server 0.03914.
gnomAD v4.1: 98,533 of 1,584,836 alleles (6.2%); highest among the groups gnomAD compares: East Asian, 15%; 3,855 homozygotes.

Submissions 1 to 31 of 104:

Labcorp Genetics (formerly Invitae), Labcorp
Classification: Benign for Ehlers-Danlos syndrome, kyphoscoliotic type 1. Last evaluated: 2026-02-04. Review status: criteria provided, single submitter. Criteria: Invitae Variant Classification Sherloc (09022015). Collection method: clinical testing. Allele origin: germline.

ARUP Laboratories, Molecular Genetics and Genomics, ARUP Laboratories
Classification: Benign for Ehlers-Danlos syndrome, kyphoscoliotic type 1. Last evaluated: 2025-07-18. Review status: criteria provided, single submitter. Criteria: ARUP Molecular Germline Variant Investigation Process 2024. Collection method: clinical testing. Allele origin: germline.

Blueprint Genetics
Classification: Benign. Last evaluated: 2024-11-26. Review status: criteria provided, single submitter. Criteria: ACMG Guidelines, 2015. Collection method: clinical testing. Allele origin: germline.

Women's Health and Genetics/Laboratory Corporation of America, LabCorp
Classification: Benign. Last evaluated: 2023-04-10. Review status: criteria provided, single submitter. Criteria: LabCorp Variant Classification Summary - May 2015. Collection method: clinical testing. Allele origin: germline.

GeneDx
Classification: Benign. Last evaluated: 2016-10-07. Review status: criteria provided, single submitter. Criteria: GeneDx Variant Classification (06012015). Collection method: clinical testing. Allele origin: germline. Affected: yes.
Comment: This variant is considered likely benign or benign based on one or more of the following criteria: it is a conservative change, it occurs at a poorly conserved position in the protein, it is predicted to be benign by multiple in silico algorithms, and/or has population frequency not consistent with disease.

Breakthrough Genomics
Classification: Benign. Review status: criteria provided, single submitter. Criteria: ACMG Guidelines, 2015. Collection method: not provided. Allele origin: germline. Inheritance: Autosomal recessive inheritance. Affected: yes.

Dr. Peter K. Rogan Lab, Western University
No classification provided (evidence only). Condition: Uterine corpus endometrial carcinoma. Review status: no classification provided. Collection method: in vitro. Allele origin: not applicable. Functional consequence: skipped exon, retained intron. Not counted in ClinVar's aggregate classification.

Dr. Peter K. Rogan Lab, Western University
No classification provided (evidence only). Condition: Uterine corpus endometrial carcinoma. Review status: no classification provided. Collection method: in vitro. Allele origin: not applicable. Functional consequence: skipped exon, retained intron. Not counted in ClinVar's aggregate classification.

Dr. Peter K. Rogan Lab, Western University
No classification provided (evidence only). Condition: Uterine corpus endometrial carcinoma. Review status: no classification provided. Collection method: in vitro. Allele origin: not applicable. Functional consequence: skipped exon, retained intron. Not counted in ClinVar's aggregate classification.

Dr. Peter K. Rogan Lab, Western University
No classification provided (evidence only). Condition: Malignant lymphoma, large B-cell, diffuse. Review status: no classification provided. Collection method: in vitro. Allele origin: not applicable. Functional consequence: retained intron. Not counted in ClinVar's aggregate classification.

Dr. Peter K. Rogan Lab, Western University
No classification provided (evidence only). Condition: Thymoma. Review status: no classification provided. Collection method: in vitro. Allele origin: not applicable. Functional consequence: retained intron. Not counted in ClinVar's aggregate classification.

Dr. Peter K. Rogan Lab, Western University
No classification provided (evidence only). Condition: Thymoma. Review status: no classification provided. Collection method: in vitro. Allele origin: not applicable. Functional consequence: retained intron. Not counted in ClinVar's aggregate classification.

Dr. Peter K. Rogan Lab, Western University
No classification provided (evidence only). Condition: Squamous cell carcinoma of the head and neck. Review status: no classification provided. Collection method: in vitro. Allele origin: not applicable. Functional consequence: retained intron. Not counted in ClinVar's aggregate classification.

Dr. Peter K. Rogan Lab, Western University
No classification provided (evidence only). Condition: Uterine corpus endometrial carcinoma. Review status: no classification provided. Collection method: in vitro. Allele origin: not applicable. Functional consequence: skipped exon, retained intron. Not counted in ClinVar's aggregate classification.

Dr. Peter K. Rogan Lab, Western University
No classification provided (evidence only). Condition: Uterine corpus endometrial carcinoma. Review status: no classification provided. Collection method: in vitro. Allele origin: not applicable. Functional consequence: skipped exon, retained intron. Not counted in ClinVar's aggregate classification.

Dr. Peter K. Rogan Lab, Western University
No classification provided (evidence only). Condition: Malignant lymphoma, large B-cell, diffuse. Review status: no classification provided. Collection method: in vitro. Allele origin: not applicable. Functional consequence: retained intron. Not counted in ClinVar's aggregate classification.

Dr. Peter K. Rogan Lab, Western University
No classification provided (evidence only). Condition: Malignant lymphoma, large B-cell, diffuse. Review status: no classification provided. Collection method: in vitro. Allele origin: not applicable. Functional consequence: retained intron. Not counted in ClinVar's aggregate classification.

Dr. Peter K. Rogan Lab, Western University
No classification provided (evidence only). Condition: Uterine corpus endometrial carcinoma. Review status: no classification provided. Collection method: in vitro. Allele origin: not applicable. Functional consequence: retained intron. Not counted in ClinVar's aggregate classification.

Dr. Peter K. Rogan Lab, Western University
No classification provided (evidence only). Condition: Uterine corpus endometrial carcinoma. Review status: no classification provided. Collection method: in vitro. Allele origin: not applicable. Functional consequence: skipped exon, retained intron. Not counted in ClinVar's aggregate classification.

Dr. Peter K. Rogan Lab, Western University
No classification provided (evidence only). Condition: Uterine corpus endometrial carcinoma. Review status: no classification provided. Collection method: in vitro. Allele origin: not applicable. Functional consequence: retained intron. Not counted in ClinVar's aggregate classification.

Dr. Peter K. Rogan Lab, Western University
No classification provided (evidence only). Condition: Uterine corpus endometrial carcinoma. Review status: no classification provided. Collection method: in vitro. Allele origin: not applicable. Functional consequence: retained intron. Not counted in ClinVar's aggregate classification.

Dr. Peter K. Rogan Lab, Western University
No classification provided (evidence only). Condition: Hepatocellular carcinoma. Review status: no classification provided. Collection method: in vitro. Allele origin: not applicable. Functional consequence: skipped exon. Not counted in ClinVar's aggregate classification.

Dr. Peter K. Rogan Lab, Western University
No classification provided (evidence only). Condition: Hepatocellular carcinoma. Review status: no classification provided. Collection method: in vitro. Allele origin: not applicable. Functional consequence: skipped exon. Not counted in ClinVar's aggregate classification.

Dr. Peter K. Rogan Lab, Western University
No classification provided (evidence only). Condition: Uterine corpus endometrial carcinoma. Review status: no classification provided. Collection method: in vitro. Allele origin: not applicable. Functional consequence: retained intron. Not counted in ClinVar's aggregate classification.

Dr. Peter K. Rogan Lab, Western University
No classification provided (evidence only). Condition: Uterine corpus endometrial carcinoma. Review status: no classification provided. Collection method: in vitro. Allele origin: not applicable. Functional consequence: skipped exon, retained intron. Not counted in ClinVar's aggregate classification.

Dr. Peter K. Rogan Lab, Western University
No classification provided (evidence only). Condition: Uterine corpus endometrial carcinoma. Review status: no classification provided. Collection method: in vitro. Allele origin: not applicable. Functional consequence: retained intron. Not counted in ClinVar's aggregate classification.

Dr. Peter K. Rogan Lab, Western University
No classification provided (evidence only). Condition: Thymoma. Review status: no classification provided. Collection method: in vitro. Allele origin: not applicable. Functional consequence: skipped exon, retained intron. Not counted in ClinVar's aggregate classification.

Dr. Peter K. Rogan Lab, Western University
No classification provided (evidence only). Condition: Thymoma. Review status: no classification provided. Collection method: in vitro. Allele origin: not applicable. Functional consequence: skipped exon, retained intron. Not counted in ClinVar's aggregate classification.

Dr. Peter K. Rogan Lab, Western University
No classification provided (evidence only). Condition: Thymoma. Review status: no classification provided. Collection method: in vitro. Allele origin: not applicable. Functional consequence: retained intron. Not counted in ClinVar's aggregate classification.

Dr. Peter K. Rogan Lab, Western University
No classification provided (evidence only). Condition: Uterine carcinosarcoma. Review status: no classification provided. Collection method: in vitro. Allele origin: not applicable. Functional consequence: retained intron. Not counted in ClinVar's aggregate classification.

Dr. Peter K. Rogan Lab, Western University
No classification provided (evidence only). Condition: Uterine carcinosarcoma. Review status: no classification provided. Collection method: in vitro. Allele origin: not applicable. Functional consequence: skipped exon, retained intron. Not counted in ClinVar's aggregate classification.

NM_000302.4(PLOD1):c.644-17T>G

Gene: PLOD1 (procollagen-lysine,2-oxoglutarate 5-dioxygenase 1; plus strand). Cytogenetic location: 1p36.22.
Variant type: single nucleotide variant.
Coding change: c.644-17T>G on transcript NM_000302.4 (MANE Select); 17 bases into the intron before coding-DNA position 644, T replaced by G.
Molecular consequence: intron variant.
Genome position (GRCh38, 1-based): chr1:11,956,900, T>G. VCF-style: chr1-11956900-T-G. GRCh37 (hg19) VCF-style: chr1-12016957-T-G.
Other names: c.785-17T>G (NM_001316320.2).
Identifiers: ClinVar variation 384719 (VCV000384719.33), dbSNP rs41307745, ClinGen allele CA598036.